The following is an entry in ClinVar:

ClinVar aggregate classification (germline): Pathogenic (1 of 4 stars; one submission).

Conditions:
Carnitine palmitoyltransferase II deficiency. Also called: Carnitine Palmitoyltransferase 2 Deficiency. Identifiers: Orphanet 157, MedGen C0342790, MONDO:0015515.

Submission:

Labcorp Genetics (formerly Invitae), Labcorp
Classification: Pathogenic for Carnitine palmitoyltransferase II deficiency. Last evaluated: 2023-06-28. Review status: criteria provided, single submitter. Criteria: Invitae Variant Classification Sherloc (09022015). Collection method: clinical testing. Allele origin: germline.
Comment: For these reasons, this variant has been classified as Pathogenic. This variant has not been reported in the literature in individuals affected with CPT2-related conditions. This variant is present in population databases (no rsID available, gnomAD 0.006%). This sequence change creates a premature translational stop signal (p.Phe384Leufs*36) in the CPT2 gene. It is expected to result in an absent or disrupted protein product. Loss-of-function variants in CPT2 are known to be pathogenic (PMID: 16781677, 16996287).

Literature cited by the submitters: PubMed 16781677; PubMed 16996287.

NM_000098.3(CPT2):c.1152del (p.Phe384fs)

Gene: CPT2 (carnitine palmitoyltransferase 2; plus strand). Cytogenetic location: 1p32.3.
Variant type: Deletion.
Coding change: c.1152del on transcript NM_000098.3 (MANE Select); coding-DNA position 1152, one base deleted (T; older notation c.1152delT).
Protein change: p.Phe384fs; shifts the reading frame from phenylalanine 384.
Molecular consequence: frameshift variant.
Genome position (GRCh38, 1-based): chr1:53,210,826, T deleted; the last of 6 consecutive T bases (chr1:53,210,821-53,210,826); deleting any one gives the same sequence. VCF-style (leftmost placement, unchanged base first): chr1-53210820-AT-A. GRCh37 (hg19) VCF-style: chr1-53676492-AT-A.
Other names: c.1152del, p.Phe384fs (NM_001330589.2); short protein forms F384fs.
Identifiers: ClinVar variation 2731936 (VCV002731936.3), dbSNP rs1414678698, ClinGen allele CA523273506.